The following is an entry in ClinVar:

ClinVar aggregate classification (germline): Uncertain significance (1 of 4 stars; one submission).

Conditions:
Familial cancer of breast. Also called: Hereditary breast cancer; BREAST CANCER, FAMILIAL; hereditary breast carcinoma. Identifiers: Orphanet 227535, MedGen C0346153, MONDO:0016419, OMIM 114480. Disease mechanism: loss of function.

Submission:

Labcorp Genetics (formerly Invitae), Labcorp
Classification: Uncertain significance for Familial cancer of breast. Last evaluated: 2022-12-30. Review status: criteria provided, single submitter. Criteria: Invitae Variant Classification Sherloc (09022015). Collection method: clinical testing. Allele origin: germline.
Comment: This sequence change replaces asparagine, which is neutral and polar, with histidine, which is basic and polar, at codon 306 of the PALB2 protein (p.Asn306His). In summary, the available evidence is currently insufficient to determine the role of this variant in disease. Therefore, it has been classified as a Variant of Uncertain Significance. Advanced modeling of protein sequence and biophysical properties (such as structural, functional, and spatial information, amino acid conservation, physicochemical variation, residue mobility, and thermodynamic stability) performed at Invitae indicates that this missense variant is expected to disrupt PALB2 protein function. This variant has not been reported in the literature in individuals affected with PALB2-related conditions. This variant is not present in population databases (gnomAD no frequency).

NM_024675.4(PALB2):c.916A>C (p.Asn306His)

Gene: PALB2 (partner and localizer of BRCA2; minus strand). Cytogenetic location: 16p12.2.
Variant type: single nucleotide variant.
Coding change: c.916A>C on transcript NM_024675.4 (MANE Select); coding-DNA position 916, A replaced by C.
Protein change: p.Asn306His; replaces asparagine 306 with histidine.
Molecular consequence: missense variant. On other transcripts: intron variant (3).
Genome position (GRCh38, 1-based): chr16:23,635,630, T>G on the plus strand (A>C on the coding strand, the complement: PALB2 is on the minus strand). VCF-style: chr16-23635630-T-G. GRCh37 (hg19) VCF-style: chr16-23646951-T-G.
Other names: c.916A>C, p.Asn306His (NM_001407298.1, NM_001407299.1, NM_001407297.1 and 3 more transcripts); c.856A>C, p.Asn286His (NM_001407296.1); c.31A>C, p.Asn11His (NM_001407304.1, NM_001407305.1, NM_001407306.1 and 5 more transcripts); c.48+5480A>C (NM_001407314.1); c.-104-5161A>C (NM_001407313.1, NM_001407312.1); short protein forms N11H, N306H, N286H.
Identifiers: ClinVar variation 2825083 (VCV002825083.3), dbSNP rs2142431094, ClinGen allele CA395135390.
Genomic context (GRCh38, chr16:23,635,630, plus strand): 5'-AAATATTTGCCTCTAAATTAGAACTTGTGGGCAGTTGGCCACTTTTACTTATAGCTTTAT[T>G]TACAAGGAGGTTATCTGTAGAGACAGTCATTTTTTTGCCTTGTGCCTCCAAACTTACAGG-3'
Protein context (NP_078951.2, residues 296-316): MTVSTDNLLV[Asn306His]KAISKSGQLP